The following is an entry in ClinVar:

ClinVar aggregate classification (germline): Pathogenic (1 of 4 stars; one submission).

Submission:

Labcorp Genetics (formerly Invitae), Labcorp
Classification: Pathogenic. Last evaluated: 2021-11-11. Review status: criteria provided, single submitter. Criteria: Invitae Variant Classification Sherloc (09022015). Collection method: clinical testing. Allele origin: germline.
Comment: This sequence change creates a premature translational stop signal (p.Phe398Leufs*68) in the SLC26A4 gene. It is expected to result in an absent or disrupted protein product. Loss-of-function variants in SLC26A4 are known to be pathogenic (PMID: 16283880, 25394566, 26252218, 26445815). For these reasons, this variant has been classified as Pathogenic. ClinVar contains an entry for this variant (Variation ID: 1072520). This variant has not been reported in the literature in individuals affected with SLC26A4-related conditions. This variant is not present in population databases (gnomAD no frequency).

Literature cited by the submitters: PubMed 16283880; PubMed 25394566; PubMed 26252218; PubMed 26445815.

NM_000441.2(SLC26A4):c.1194_1198del (p.Phe398fs)

Gene: SLC26A4 (solute carrier family 26 member 4; plus strand). Cytogenetic location: 7q22.3.
Variant type: Deletion.
Coding change: c.1194_1198del on transcript NM_000441.2 (MANE Select); coding-DNA positions 1194 to 1198, 5 bases deleted (CTCTT; older notation c.1194_1198delCTCTT).
Protein change: p.Phe398fs; shifts the reading frame from phenylalanine 398.
Molecular consequence: frameshift variant.
Genome position (GRCh38, 1-based): chr7:107,690,168-107,690,172, CTCTT deleted; deleting any 5 consecutive bases within chr7:107,690,164-107,690,172 gives the same sequence; the c. name uses the placement nearest the transcript's 3' end. VCF-style (leftmost placement, unchanged base first): chr7-107690163-TTCTTC-T. GRCh37 (hg19) VCF-style: chr7-107330608-TTCTTC-T.
Other names: short protein forms F398fs.
Identifiers: ClinVar variation 1072520 (VCV001072520.7), dbSNP rs2129316011, ClinGen allele CA2499218633.
Genomic context (GRCh38, chr7:107,690,163, plus strand): 5'-GTCATCCAGTCTCTTCCTTAGGAATTCATTGCCTTTGGGATCAGCAACATCTTCTCAGGA[TTCTTC>T]TCTTGTTTTGTGGCCACCACTGCTCTTTCCCGCACGGCCGTCCAGGAGAGCACTGGAGGA-3'